The following is an entry in ClinVar:

ClinVar aggregate classification (germline): Likely benign (1 of 4 stars; one submission).

Conditions:
Hereditary factor VIII deficiency disease (HEMA). Also called: AUTOSOMAL HEMOPHILIA A; Hemophilia A, congenital; HEM A; Factor 8 deficiency, congenital; HEMOPHILIA, CLASSIC; Hemophilia A. Identifiers: Orphanet 98878, MedGen C0019069, MONDO:0010602, OMIM 306700.

Allele frequency attached by ClinVar (database versions not stated): gnomAD 0.00127 and 0.00143; 1000 Genomes Project 0.00132; TOPMed 0.00138; 1000 Genomes Project 30x 0.00146.

Submission:

Illumina Laboratory Services, Illumina
Classification: Likely benign for Hereditary factor VIII deficiency disease. Last evaluated: 2018-01-13. Review status: criteria provided, single submitter. Criteria: ICSL Variant Classification Criteria 13 December 2019. Collection method: clinical testing. Allele origin: germline.
Comment: This variant was observed in the ICSL laboratory as part of a predisposition screen in an ostensibly healthy population. It had not been previously curated by ICSL or reported in the Human Gene Mutation Database (HGMD: prior to June 1st, 2018), and was therefore a candidate for classification through an automated scoring system. Utilizing variant allele frequency, disease prevalence and penetrance estimates, and inheritance mode, an automated score was calculated to assess if this variant is too frequent to cause the disease. Based on the score and internal cut-off values, a variant classified as likely benign is not then subjected to further curation. The score for this variant resulted in a classification of likely benign for this disease.

NM_000132.4(F8):c.*1379A>G

Gene: F8 (coagulation factor VIII; minus strand). Cytogenetic location: Xq28.
Variant type: single nucleotide variant.
Coding change: c.*1379A>G on transcript NM_000132.4 (MANE Select); 1379 bases downstream of the stop codon, A replaced by G.
Molecular consequence: 3 prime UTR variant.
Genome position (GRCh38, 1-based): chrX:154,836,218, T>C on the plus strand (A>G on the coding strand, the complement: F8 is on the minus strand). VCF-style: chrX-154836218-T-C. GRCh37 (hg19) VCF-style: chrX-154064493-T-C.
Other names: c.*1379A>G (NM_019863.3).
Identifiers: ClinVar variation 912835 (VCV000912835.4), dbSNP rs36101366, ClinGen allele CA337318864.